The following is an entry in ClinVar:

ClinVar aggregate classification (germline): Uncertain significance (1 of 4 stars; one submission).

Conditions:
Leukocyte adhesion deficiency type II. Also called: Congenital disorder of glycosylation type 2C; CDG 2C; Leukocyte adhesion deficiency type 2; Rambam Hasharon syndrome; CONGENITAL DISORDER OF GLYCOSYLATION, TYPE IIc; CDG IIc. Identifiers: Orphanet 2968, Orphanet 99843, MedGen C0398739, MONDO:0009953, OMIM 266265.

Allele frequency attached by ClinVar (database versions not stated): gnomAD 0.00001; gnomAD exomes 0.00001 and 0.00004; ExAC 0.00005.
gnomAD v4.1: 8 of 1,608,850 alleles (0.0005%); highest among the groups gnomAD compares: Non-Finnish European, 0.00068%; no homozygotes.

Submission:

Labcorp Genetics (formerly Invitae), Labcorp
Classification: Uncertain significance for Leukocyte adhesion deficiency type II. Last evaluated: 2022-02-10. Review status: criteria provided, single submitter. Criteria: Invitae Variant Classification Sherloc (09022015). Collection method: clinical testing. Allele origin: germline.
Comment: In summary, the available evidence is currently insufficient to determine the role of this variant in disease. Therefore, it has been classified as a Variant of Uncertain Significance. Algorithms developed to predict the effect of missense changes on protein structure and function are either unavailable or do not agree on the potential impact of this missense change (SIFT: "Deleterious"; PolyPhen-2: "Benign"; Align-GVGD: "Class C25"). ClinVar contains an entry for this variant (Variation ID: 1003898). This variant has not been reported in the literature in individuals affected with SLC35C1-related conditions. This variant is present in population databases (rs764394629, gnomAD 0.006%). This sequence change replaces methionine, which is neutral and non-polar, with threonine, which is neutral and polar, at codon 328 of the SLC35C1 protein (p.Met328Thr).

NM_018389.5(SLC35C1):c.983T>C (p.Met328Thr)

Gene: SLC35C1 (solute carrier family 35 member C1; plus strand). Cytogenetic location: 11p11.2.
Variant type: single nucleotide variant.
Coding change: c.983T>C on transcript NM_018389.5 (MANE Select); coding-DNA position 983, T replaced by C.
Protein change: p.Met328Thr; replaces methionine 328 with threonine.
Molecular consequence: missense variant.
Genome position (GRCh38, 1-based): chr11:45,811,223, T>C. VCF-style: chr11-45811223-T-C. GRCh37 (hg19) VCF-style: chr11-45832774-T-C.
Other names: c.944T>C, p.Met315Thr (NM_001145265.2, NM_001145266.2); short protein forms M315T, M328T.
Identifiers: ClinVar variation 1003898 (VCV001003898.11), dbSNP rs764394629, ClinGen allele CA5958371.